The following is an entry in ClinVar:

ClinVar aggregate classification (germline): Likely benign (1 of 4 stars; one submission).

Conditions:
POLG-related disorder. Also called: POLG-Related Spectrum Disorders; POLG-related condition; POLG-Related Disorders. Identifiers: MedGen C4763519.

Submission:

PreventionGenetics, part of Exact Sciences
Classification: Likely benign for POLG-related condition. Last evaluated: 2025-05-07. Review status: criteria provided, single submitter. Criteria: ACMG Guidelines, 2015. Collection method: clinical testing. Allele origin: germline.
Comment: This variant is classified as likely benign based on ACMG/AMP sequence variant interpretation guidelines (Richards et al. 2015 PMID: 25741868, with internal and published modifications).

NM_002693.3(POLG):c.651C>A (p.Pro217=)

Genes: POLG (DNA polymerase gamma, catalytic subunit; minus strand), POLGARF (POLG alternative reading frame; minus strand). Cytogenetic location: 15q26.1.
Variant type: single nucleotide variant.
Coding change: c.651C>A on transcript NM_002693.3 (MANE Select); coding-DNA position 651, C replaced by A.
Protein change: p.Pro217=; no amino-acid change (proline 217 retained).
Molecular consequence: synonymous variant. On other transcripts: missense variant (1).
Genome position (GRCh38, 1-based): chr15:89,333,104, G>T on the plus strand (C>A on the coding strand, the complement: POLG is on the minus strand). VCF-style: chr15-89333104-G-T. GRCh37 (hg19) VCF-style: chr15-89876335-G-T.
Other names: c.706C>A, p.Leu236Ile (NM_001430120.1); c.651C>A, p.Pro217= (NM_001126131.2); short protein forms L236I.
Identifiers: ClinVar variation 5001944 (VCV005001944.1).